The following is an entry in ClinVar:

ClinVar aggregate classification (germline): Uncertain significance (1 of 4 stars; one submission).

Allele frequency attached by ClinVar (database versions not stated): gnomAD exomes below 0.00001.
gnomAD v4.1: 3 of 1,614,144 alleles (0.00019%); highest among the groups gnomAD compares: Non-Finnish European, 0.00017%; no homozygotes.

Submission:

Labcorp Genetics (formerly Invitae), Labcorp
Classification: Uncertain significance. Last evaluated: 2023-05-08. Review status: criteria provided, single submitter. Criteria: Invitae Variant Classification Sherloc (09022015). Collection method: clinical testing. Allele origin: germline.
Comment: This variant is present in population databases (no rsID available, gnomAD 0.0009%). In summary, the available evidence is currently insufficient to determine the role of this variant in disease. Therefore, it has been classified as a Variant of Uncertain Significance. An algorithm developed to predict the effect of missense changes on protein structure and function (PolyPhen-2) suggests that this variant is likely to be disruptive. ClinVar contains an entry for this variant (Variation ID: 2171481). This variant has not been reported in the literature in individuals affected with DNAH9-related conditions. This sequence change replaces proline, which is neutral and non-polar, with leucine, which is neutral and non-polar, at codon 3198 of the DNAH9 protein (p.Pro3198Leu).

NM_001372.4(DNAH9):c.9593C>T (p.Pro3198Leu)

Gene: DNAH9 (dynein axonemal heavy chain 9; plus strand). Cytogenetic location: 17p12.
Variant type: single nucleotide variant.
Coding change: c.9593C>T on transcript NM_001372.4 (MANE Select); coding-DNA position 9593, C replaced by T.
Protein change: p.Pro3198Leu; replaces proline 3198 with leucine.
Molecular consequence: missense variant.
Genome position (GRCh38, 1-based): chr17:11,854,088, C>T. VCF-style: chr17-11854088-C-T. GRCh37 (hg19) VCF-style: chr17-11757405-C-T.
Other names: short protein forms P3198L.
Identifiers: ClinVar variation 2171481 (VCV002171481.2), dbSNP rs1170428122, ClinGen allele CA398191754.